The following is an entry in ClinVar:

NM_000540.3(RYR1):c.471T>A (p.Ser157=)

Gene: RYR1 (ryanodine receptor 1; plus strand). Cytogenetic location: 19q13.2.
Variant type: single nucleotide variant.
Coding change: c.471T>A on transcript NM_000540.3 (MANE Select); coding-DNA position 471, T replaced by A.
Protein change: p.Ser157=; no amino-acid change (serine 157 retained).
Molecular consequence: synonymous variant.
Genome position (GRCh38, 1-based): chr19:38,444,195, T>A. VCF-style: chr19-38444195-T-A. GRCh37 (hg19) VCF-style: chr19-38934835-T-A.
Other names: c.471T>A, p.Ser157= (NM_001042723.2).
Identifiers: ClinVar variation 3069475 (VCV003069475.2), dbSNP rs140573900, ClinGen allele CA066402.

ClinVar aggregate classification (germline): Conflicting classifications of pathogenicity. Review status: criteria provided, conflicting classifications (1 of 4 stars). 2 submissions from 2 submitters: Uncertain significance (1); Likely benign (1). Last evaluated 2025-06-23.

Conditions:
Malignant hyperthermia, susceptibility to, 1 (MHS1). Also called: RYR1-Related Malignant Hyperthermia Susceptibility; Anesthesia related hyperthermia; Malignant hyperpyrexia; Fulminating hyperpyrexia; Pharmacogenic myopathy; Malignant hyperthermia suceptibility 1. Identifiers: Orphanet 423, MedGen C2930980, MONDO:0007783, OMIM 145600.

Allele frequency attached by ClinVar (database versions not stated): ExAC 0.00001; ESP Exome Variant Server 0.00008.

Submissions (2):

Color Diagnostics, LLC DBA Color Health
Classification: Likely benign for Malignant hyperthermia, susceptibility to, 1. Last evaluated: 2025-06-23. Review status: criteria provided, single submitter. Criteria: ACMG Guidelines, 2015. Collection method: clinical testing. Allele origin: germline.

All of Us Research Program, National Institutes of Health
Classification: Uncertain significance for Malignant hyperthermia, susceptibility to, 1. Last evaluated: 2023-12-01. Review status: criteria provided, single submitter. Criteria: ACMG Guidelines, 2015. Collection method: clinical testing. Allele origin: germline. Inheritance: Autosomal dominant inheritance. Observed: 2 variant alleles, 2 heterozygotes.
Comment: This variant is located in the RYR1 protein. To our knowledge, functional studies have not been reported for this variant. This variant has not been reported in individuals affected with RYR1-related disorders in the literature. This variant has been identified in 1/251434 chromosomes in the general population by the Genome Aggregation Database (gnomAD). The available evidence is insufficient to determine the role of this variant in disease conclusively. Therefore, this variant is classified as a Variant of Uncertain Significance.

This study involves interpretation of variants in research participants for the purpose of population health screening. Participant phenotype was not available at the time of variant classification. Additional details can be found in publication PMID: 35346344, PMCID: PMC8962531